The following is an entry in ClinVar:

ClinVar aggregate classification (germline): Likely benign (1 of 4 stars; one submission).

Conditions:
Van Maldergem syndrome 2 (VMLDS2). Identifiers: Orphanet 314679, MedGen C3809875, MONDO:0014242, OMIM 615546.
Hennekam lymphangiectasia-lymphedema syndrome 2 (HKLLS2). Identifiers: Orphanet 2136, MedGen C4014939, MONDO:0014454, OMIM 616006.

Allele frequency attached by ClinVar (database versions not stated): gnomAD 0.00001; gnomAD exomes 0.00001; TOPMed 0.00001; ExAC 0.00002.
gnomAD v4.1: 15 of 1,614,012 alleles (0.00093%); highest among the groups gnomAD compares: Non-Finnish European, 0.0012%; no homozygotes.

Submission:

Labcorp Genetics (formerly Invitae), Labcorp
Classification: Likely benign. Last evaluated: 2025-10-16. Review status: criteria provided, single submitter. Criteria: Invitae Variant Classification Sherloc (09022015). Collection method: clinical testing. Allele origin: germline.

NM_001291303.3(FAT4):c.3135C>T (p.Gly1045=)

Gene: FAT4 (FAT atypical cadherin 4; plus strand). Cytogenetic location: 4q28.1.
Variant type: single nucleotide variant.
Coding change: c.3135C>T on transcript NM_001291303.3 (MANE Select); coding-DNA position 3135, C replaced by T.
Protein change: p.Gly1045=; no amino-acid change (glycine 1045 retained).
Molecular consequence: synonymous variant.
Genome position (GRCh38, 1-based): chr4:125,319,546, C>T. VCF-style: chr4-125319546-C-T. GRCh37 (hg19) VCF-style: chr4-126240701-C-T.
Other names: c.3135C>T, p.Gly1045= (NM_001291285.3, NM_024582.6); c.3135C>T (NM_024582.4).
Identifiers: ClinVar variation 2048342 (VCV002048342.6), dbSNP rs778916665, ClinGen allele CA3072266.